The following is an entry in ClinVar:

ClinVar aggregate classification (germline): Pathogenic (1 of 4 stars; one submission).

Submission:

Labcorp Genetics (formerly Invitae), Labcorp
Classification: Pathogenic. Last evaluated: 2021-06-12. Review status: criteria provided, single submitter. Criteria: Invitae Variant Classification Sherloc (09022015). Collection method: clinical testing. Allele origin: germline.
Comment: For these reasons, this variant has been classified as Pathogenic. This variant has not been reported in the literature in individuals with LCA5-related conditions. This variant is not present in population databases (ExAC no frequency). This sequence change creates a premature translational stop signal (p.Glu91*) in the LCA5 gene. It is expected to result in an absent or disrupted protein product. Loss-of-function variants in LCA5 are known to be pathogenic (PMID: 17546029, 23946133).

Literature cited by the submitters: PubMed 17546029; PubMed 23946133.

NM_001122769.3(LCA5):c.271G>T (p.Glu91Ter)

Gene: LCA5 (lebercilin LCA5; minus strand). Cytogenetic location: 6q14.1.
Variant type: single nucleotide variant.
Coding change: c.271G>T on transcript NM_001122769.3 (MANE Select); coding-DNA position 271, G replaced by T.
Protein change: p.Glu91Ter; replaces glutamic acid 91 with a stop codon.
Molecular consequence: nonsense.
Genome position (GRCh38, 1-based): chr6:79,513,661, C>A on the plus strand (G>T on the coding strand, the complement: LCA5 is on the minus strand). VCF-style: chr6-79513661-C-A. GRCh37 (hg19) VCF-style: chr6-80223378-C-A.
Other names: c.271G>T, p.Glu91Ter (NM_181714.4); short protein forms E91*.
Identifiers: ClinVar variation 1354701 (VCV001354701.6), dbSNP rs2127680289, ClinGen allele CA364629701.